The following is an entry in ClinVar:

NM_001271.4(CHD2):c.2884C>A (p.Pro962Thr)

Genes: CHD2 (chromodomain helicase DNA binding protein 2; plus strand), LOC126862230 (P300/CBP strongly-dependent group 1 enhancer GRCh37_chr15:93523977-93525176; plus strand). Cytogenetic location: 15q26.1.
Variant type: single nucleotide variant.
Coding change: c.2884C>A on transcript NM_001271.4 (MANE Select); coding-DNA position 2884, C replaced by A.
Protein change: p.Pro962Thr; replaces proline 962 with threonine.
Molecular consequence: missense variant.
Genome position (GRCh38, 1-based): chr15:92,980,822, C>A. VCF-style: chr15-92980822-C-A. GRCh37 (hg19) VCF-style: chr15-93524052-C-A.
Other names: short protein forms P962T.
Identifiers: ClinVar variation 2828722 (VCV002828722.3), dbSNP rs2505549906, ClinGen allele CA393894606.

ClinVar aggregate classification (germline): Uncertain significance (1 of 4 stars; one submission).

Conditions:
Developmental and epileptic encephalopathy 94 (DEE94). Also called: Epileptic encephalopathy, childhood-onset; CHD2-Related Neurodevelopmental Disorders. Identifiers: Orphanet 1942, Orphanet 2382, MedGen C3809278, MONDO:0014150, OMIM 615369.

gnomAD v4.1: 4 of 1,612,110 alleles (0.00025%); highest among the groups gnomAD compares: Non-Finnish European, 0.00025%; no homozygotes.

Submission:

Labcorp Genetics (formerly Invitae), Labcorp
Classification: Uncertain significance for Developmental and epileptic encephalopathy 94. Last evaluated: 2023-09-15. Review status: criteria provided, single submitter. Criteria: Invitae Variant Classification Sherloc (09022015). Collection method: clinical testing. Allele origin: germline.
Comment: This sequence change replaces proline, which is neutral and non-polar, with threonine, which is neutral and polar, at codon 962 of the CHD2 protein (p.Pro962Thr). This variant is not present in population databases (gnomAD no frequency). This variant has not been reported in the literature in individuals affected with CHD2-related conditions. Advanced modeling of protein sequence and biophysical properties (such as structural, functional, and spatial information, amino acid conservation, physicochemical variation, residue mobility, and thermodynamic stability) has been performed at Invitae for this missense variant, however the output from this modeling did not meet the statistical confidence thresholds required to predict the impact of this variant on CHD2 protein function. In summary, the available evidence is currently insufficient to determine the role of this variant in disease. Therefore, it has been classified as a Variant of Uncertain Significance.